The following is an entry in ClinVar:

ClinVar aggregate classification (germline): Uncertain significance (1 of 4 stars; one submission).

Submission:

GeneDx
Classification: Uncertain significance. Last evaluated: 2023-12-10. Review status: criteria provided, single submitter. Criteria: GeneDx Variant Classification Process June 2021. Collection method: clinical testing. Allele origin: germline. Affected: yes.
Comment: Not observed at significant frequency in large population cohorts (gnomAD); In silico analysis supports that this missense variant does not alter protein structure/function; Has not been previously published as pathogenic or benign to our knowledge

NM_138576.4(BCL11B):c.682C>G (p.Gln228Glu)

Gene: BCL11B (BCL11 transcription factor B; minus strand). Cytogenetic location: 14q32.2.
Variant type: single nucleotide variant.
Coding change: c.682C>G on transcript NM_138576.4 (MANE Select); coding-DNA position 682, C replaced by G.
Protein change: p.Gln228Glu; replaces glutamine 228 with glutamic acid.
Molecular consequence: missense variant.
Genome position (GRCh38, 1-based): chr14:99,176,154, G>C on the plus strand (C>G on the coding strand, the complement: BCL11B is on the minus strand). VCF-style: chr14-99176154-G-C. GRCh37 (hg19) VCF-style: chr14-99642491-G-C.
Other names: c.679C>G, p.Gln227Glu (NM_001282237.2); c.466C>G, p.Gln156Glu (NM_001282238.2); c.469C>G, p.Gln157Glu (NM_022898.3); short protein forms Q156E, Q157E, Q227E, Q228E.
Identifiers: ClinVar variation 3253449 (VCV003253449.1), dbSNP rs1886522103.